The following is an entry in ClinVar:

ClinVar aggregate classification (germline): Pathogenic (1 of 4 stars; one submission).

Conditions:
Neurofibromatosis, type 1 (NF1). Also called: Neurofibromatosis, type I; NEUROFIBROMATOSIS, TYPE I, SOMATIC; Peripheral type neurofibromatosis; VON RECKLINGHAUSEN DISEASE. Identifiers: Orphanet 636, MedGen C0027831, MONDO:0018975, OMIM 162200. Disease mechanism: loss of function.

Submission:

Labcorp Genetics (formerly Invitae), Labcorp
Classification: Pathogenic for Neurofibromatosis, type 1. Last evaluated: 2023-05-23. Review status: criteria provided, single submitter. Criteria: Invitae Variant Classification Sherloc (09022015). Collection method: clinical testing. Allele origin: germline.
Comment: For these reasons, this variant has been classified as Pathogenic. This variant has not been reported in the literature in individuals affected with NF1-related conditions. This variant is not present in population databases (gnomAD no frequency). This sequence change creates a premature translational stop signal (p.Ser1363Metfs*22) in the NF1 gene. It is expected to result in an absent or disrupted protein product. Loss-of-function variants in NF1 are known to be pathogenic (PMID: 10712197, 23913538).

Literature cited by the submitters: PubMed 10712197; PubMed 23913538.

NM_001042492.3(NF1):c.4088del (p.Ser1363fs)

Gene: NF1 (neurofibromin 1; plus strand). Cytogenetic location: 17q11.2.
Variant type: Deletion.
Coding change: c.4088del on transcript NM_001042492.3 (MANE Select); coding-DNA position 4088, one base deleted (G; older notation c.4088delG).
Protein change: p.Ser1363fs; shifts the reading frame from serine 1363.
Molecular consequence: frameshift variant.
Genome position (GRCh38, 1-based): chr17:31,249,097, G deleted. VCF-style (leftmost placement, unchanged base first): chr17-31249096-AG-A. GRCh37 (hg19) VCF-style: chr17-29576114-AG-A.
Other names: c.4088delG, p.Ser1363Metfs (NM_000267.4); short protein forms S1363fs.
Identifiers: ClinVar variation 2867275 (VCV002867275.3), dbSNP rs2508352618, ClinGen allele CA2739267388.
Genomic context (GRCh38, chr17:31,249,096, plus strand): 5'-ACTGAAAAGTTCTTCCATGCCATCATCAGTTCCTCCTCAGAATTCCCCCCTCAACTTCGA[AG>A]TGTGTGCCACTGTTTATACCAGGTATGCTTACAGTTAGAGATTACCATTATTAATCTAAA-3'